The following is an entry in ClinVar:

NM_000179.3(MSH6):c.3930G>A (p.Glu1310=)

Gene: MSH6 (mutS homolog 6; plus strand). Cytogenetic location: 2p16.3.
Variant type: single nucleotide variant.
Coding change: c.3930G>A on transcript NM_000179.3 (MANE Select); coding-DNA position 3930, G replaced by A.
Protein change: p.Glu1310=; no amino-acid change (glutamic acid 1310 retained).
Molecular consequence: synonymous variant.
Genome position (GRCh38, 1-based): chr2:47,806,580, G>A. VCF-style: chr2-47806580-G-A. GRCh37 (hg19) VCF-style: chr2-48033719-G-A.
Other names: c.3540G>A, p.Glu1180= (NM_001281492.2); c.3024G>A, p.Glu1008= (NM_001281493.2, NM_001281494.2).
Identifiers: ClinVar variation 629295 (VCV000629295.17), dbSNP rs267608129, ClinGen allele CA426122168.
Genomic context (GRCh38, chr2:47,806,580, plus strand): 5'-TAAGGGAGCTTGTCCTAAAAGCTATGGCTTTAATGCAGCAAGGCTTGCTAATCTCCCAGA[G>A]GAAGTTATTCAAAAGGGACATAGAAAAGCAAGAGAATTTGAGAAGATGAATCAGTCACTA-3'
Protein context (NP_000170.1, residues 1300-1320): FNAARLANLP[Glu1310=]EVIQKGHRKA

ClinVar aggregate classification (germline): Conflicting classifications of pathogenicity. Review status: criteria provided, conflicting classifications (1 of 4 stars). 7 submissions from 7 submitters: Uncertain significance (1); Benign (1); Likely benign (5). Last evaluated 2025-10-01.

Conditions:
Hereditary nonpolyposis colorectal neoplasms. Identifiers: MedGen C0009405, MeSH D003123.
Lynch syndrome. Identifiers: Orphanet 144, MedGen C4552100, MONDO:0005835. Disease mechanism: loss of function.
Hereditary cancer-predisposing syndrome. Also called: Neoplastic Syndromes, Hereditary; Tumor predisposition; Hereditary neoplastic syndrome; Hereditary Cancer Syndrome. Identifiers: Orphanet 140162, MedGen C0027672, MeSH D009386, MONDO:0015356.
Lynch syndrome 5 (LYNCH5). Also called: Colorectal cancer, hereditary nonpolyposis, type 5; Hereditary non-polyposis colorectal cancer, type 5. Identifiers: Orphanet 144, MedGen C1833477, MONDO:0013710, OMIM 614350. Disease mechanism: loss of function.

gnomAD v4.1: 2 of 1,613,548 alleles (0.00012%); no homozygotes.

Submissions (7):

Labcorp Genetics (formerly Invitae), Labcorp
Classification: Likely benign for Hereditary nonpolyposis colorectal neoplasms. Last evaluated: 2025-10-01. Review status: criteria provided, single submitter. Criteria: Invitae Variant Classification Sherloc (09022015). Collection method: clinical testing. Allele origin: germline.

Myriad Genetics, Inc.
Classification: Benign for Lynch syndrome 5. Last evaluated: 2025-01-08. Review status: criteria provided, single submitter. Criteria: Myriad Autosomal Dominant, Autosomal Recessive and X-Linked Classification Criteria (2023). Collection method: clinical testing. Allele origin: unknown.
Comment: This variant is considered benign. This variant is a silent/synonymous amino acid change and it is not expected to impact splicing.

All of Us Research Program, National Institutes of Health
Classification: Likely benign for Lynch syndrome. Last evaluated: 2023-05-08. Review status: criteria provided, single submitter. Criteria: ACMG Guidelines, 2015. Collection method: clinical testing. Allele origin: germline. Inheritance: Autosomal dominant inheritance. Observed: 1 variant allele, 1 heterozygote.
Comment: This study involves interpretation of variants in research participants for the purpose of population health screening. Participant phenotype was not available at the time of variant classification. Additional details can be found in publication PMID: 35346344, PMCID: PMC8962531

Quest Diagnostics Nichols Institute San Juan Capistrano
Classification: Uncertain significance. Last evaluated: 2022-11-01. Review status: criteria provided, single submitter. Criteria: Quest Diagnostics criteria. Collection method: clinical testing. Allele origin: unknown.
Comment: To the best of our knowledge, the variant has not been reported in MSH6-related conditions in the published literature. It also has not been reported in large, multi-ethnic general populations. Analysis of this variant using software algorithms for the prediction of the effect of nucleotide changes on splicing yielded predictions that this variant does not affect MSH6 mRNA splicing . Based on the available information, we are unable to determine the clinical significance of this variant.

Women's Health and Genetics/Laboratory Corporation of America, LabCorp
Classification: Likely benign. Last evaluated: 2019-08-29. Review status: criteria provided, single submitter. Criteria: LabCorp Variant Classification Summary - May 2015. Collection method: clinical testing. Allele origin: germline.

Color Diagnostics, LLC DBA Color Health
Classification: Likely benign for Hereditary cancer-predisposing syndrome. Last evaluated: 2018-09-25. Review status: criteria provided, single submitter. Criteria: ACMG Guidelines, 2015. Collection method: clinical testing. Allele origin: germline.

Ambry Genetics
Classification: Likely benign for Hereditary cancer-predisposing syndrome. Last evaluated: 2017-10-10. Review status: criteria provided, single submitter. Criteria: Ambry Variant Classification Scheme 2023. Collection method: clinical testing. Allele origin: germline.